The following is an entry in ClinVar:

NM_000412.5(HRG):c.1185_1214del (p.383GHHPH[3])

Gene: HRG (histidine rich glycoprotein; plus strand). Cytogenetic location: 3q27.3.
Variant type: Deletion.
Coding change: c.1185_1214del on transcript NM_000412.5 (MANE Select); coding-DNA positions 1185 to 1214, 30 bases deleted (CCCCCATGGACACCATCCCCATGGACACCA).
Protein change: p.383GHHPH[3].
Molecular consequence: inframe deletion.
Genome position (GRCh38, 1-based): chr3:186,677,490-186,677,519, CCCCCATGGACACCATCCCCATGGACACCA deleted; deleting any 30 consecutive bases within chr3:186,677,479-186,677,519 gives the same sequence; the c. name uses the placement nearest the transcript's 3' end. VCF-style (leftmost placement, unchanged base first): chr3-186677478-TCATGGACACCACCCCCATGGACACCATCCC-T. GRCh37 (hg19) VCF-style: chr3-186395267-TCATGGACACCACCCCCATGGACACCATCCC-T.
Identifiers: ClinVar variation 2654338 (VCV002654338.24), dbSNP rs755228251, ClinGen allele CA2745883.

ClinVar aggregate classification (germline): Uncertain significance (1 of 4 stars; one submission).

Submission:

CeGaT Center for Human Genetics Tuebingen
Classification: Uncertain significance. Last evaluated: 2023-08-01. Review status: criteria provided, single submitter. Criteria: CeGaT Center For Human Genetics Tuebingen Variant Classification Criteria Version 2. Collection method: clinical testing. Allele origin: germline. Affected: yes. Observed: 1 variant allele.
Comment: HRG: PM2